The following is an entry in ClinVar:

ClinVar aggregate classification (germline): Uncertain significance (1 of 4 stars; one submission).

Conditions:
Congenital myasthenic syndrome 4A. Also called: Myasthenic syndrome, congenital, 4a, slow-channel; CONGENITAL MYASTHENIC SYNDROME TYPE Ia1; MYASTHENIC SYNDROME, CONGENITAL, 4A, SLOW-CHANNEL, AUTOSOMAL RECESSIVE. Identifiers: Orphanet 590, MedGen C4225413, MONDO:0011600, OMIM 605809.

Submission:

Labcorp Genetics (formerly Invitae), Labcorp
Classification: Uncertain significance for Congenital myasthenic syndrome 4A. Last evaluated: 2023-05-22. Review status: criteria provided, single submitter. Criteria: Invitae Variant Classification Sherloc (09022015). Collection method: clinical testing. Allele origin: germline.
Comment: This sequence change replaces glutamic acid, which is acidic and polar, with aspartic acid, which is acidic and polar, at codon 392 of the CHRNE protein (p.Glu392Asp). This variant is not present in population databases (gnomAD no frequency). This variant has not been reported in the literature in individuals affected with CHRNE-related conditions. ClinVar contains an entry for this variant (Variation ID: 2070674). Advanced modeling of protein sequence and biophysical properties (such as structural, functional, and spatial information, amino acid conservation, physicochemical variation, residue mobility, and thermodynamic stability) performed at Invitae indicates that this missense variant is not expected to disrupt CHRNE protein function. In summary, the available evidence is currently insufficient to determine the role of this variant in disease. Therefore, it has been classified as a Variant of Uncertain Significance.

NM_000080.4(CHRNE):c.1176G>C (p.Glu392Asp)

Genes: CHRNE (cholinergic receptor nicotinic epsilon subunit; minus strand), LOC130060040 (ATAC-STARR-seq lymphoblastoid silent region 8049; plus strand). Cytogenetic location: 17p13.2.
Variant type: single nucleotide variant.
Coding change: c.1176G>C on transcript NM_000080.4 (MANE Select); coding-DNA position 1176, G replaced by C.
Protein change: p.Glu392Asp; replaces glutamic acid 392 with aspartic acid.
Molecular consequence: missense variant.
Genome position (GRCh38, 1-based): chr17:4,899,241, C>G on the plus strand (G>C on the coding strand, the complement: CHRNE is on the minus strand). VCF-style: chr17-4899241-C-G. GRCh37 (hg19) VCF-style: chr17-4802536-C-G.
Other names: short protein forms E392D.
Identifiers: ClinVar variation 2070674 (VCV002070674.4), dbSNP rs768670572, ClinGen allele CA397300267.